The following is an entry in ClinVar:

NM_015450.3(POT1):c.949+4del

Gene: POT1 (protection of telomeres 1; minus strand). Cytogenetic location: 7q31.33.
Variant type: Deletion.
Coding change: c.949+4del on transcript NM_015450.3 (MANE Select); 4 bases into the intron after coding-DNA position 949, one base deleted (A; older notation c.949+4delA).
Molecular consequence: intron variant.
Genome position (GRCh38, 1-based): chr7:124,851,868, T deleted on the plus strand (A on the coding strand, the reverse complement: POT1 is on the minus strand); the first of 2 consecutive T bases (chr7:124,851,868-124,851,869); deleting either gives the same sequence. VCF-style (leftmost placement, unchanged base first): chr7-124851867-CT-C. GRCh37 (hg19) VCF-style: chr7-124491921-CT-C.
Other names: c.556+4del (NM_001042594.2).
Identifiers: ClinVar variation 4141912 (VCV004141912.2).

ClinVar aggregate classification (germline): Uncertain significance. Review status: criteria provided, multiple submitters, no conflicts (2 of 4 stars). 2 submissions from 2 submitters: Uncertain significance (2). Last evaluated 2025-12-21.

Conditions:
Hereditary cancer-predisposing syndrome. Also called: Tumor predisposition; Neoplastic Syndromes, Hereditary; Hereditary Cancer Syndrome; Hereditary neoplastic syndrome. Identifiers: Orphanet 140162, MedGen C0027672, MeSH D009386, MONDO:0015356.
Tumor predisposition syndrome 3 (TPDS3). Also called: Melanoma, cutaneous malignant, susceptibility to, 10; Glioma susceptibility 9; LONG TELOMERE SYNDROME, POT1-RELATED; POT1 Tumor Predisposition. Identifiers: Orphanet 618, MedGen C4014476, MONDO:0014368, OMIM 615848.

Submissions (2):

Labcorp Genetics (formerly Invitae), Labcorp
Classification: Uncertain significance for Tumor predisposition syndrome 3. Last evaluated: 2025-12-21. Review status: criteria provided, single submitter. Criteria: Invitae Variant Classification Sherloc (09022015). Collection method: clinical testing. Allele origin: germline.
Comment: This sequence change falls in intron 11 of the POT1 gene. It does not directly change the encoded amino acid sequence of the POT1 protein. It affects a nucleotide within the consensus splice site. This variant is not present in population databases (gnomAD no frequency). This variant has not been reported in the literature in individuals affected with POT1-related conditions. ClinVar contains an entry for this variant (Variation ID: 4141912). Variants that disrupt the consensus splice site are a relatively common cause of aberrant splicing (PMID: 17576681, 9536098). Algorithms developed to predict the effect of sequence changes on RNA splicing suggest that this variant may disrupt the consensus splice site. In summary, the available evidence is currently insufficient to determine the role of this variant in disease. Therefore, it has been classified as a Variant of Uncertain Significance.

Ambry Genetics
Classification: Uncertain significance for Hereditary cancer-predisposing syndrome. Last evaluated: 2025-07-18. Review status: criteria provided, single submitter. Criteria: Ambry Variant Classification Scheme 2023. Collection method: clinical testing. Allele origin: germline.
Comment: The c.949+4delA intronic variant is located 4 nucleotides after coding exon 7 of the POT1 gene. This variant results from a deletion of one nucleotide at position c.949+4. This nucleotide position is highly conserved in available vertebrate species. In silico splice site analysis predicts that this alteration may weaken the native splice donor site. Based on the available evidence, the clinical significance of this variant remains unclear.

Literature cited by the submitters: PubMed 17576681 (cited by Labcorp Genetics (formerly Invitae), Labcorp); PubMed 9536098 (cited by Labcorp Genetics (formerly Invitae), Labcorp).